The following is an entry in ClinVar:

ClinVar aggregate classification (germline): Uncertain significance (1 of 4 stars; one submission).

Conditions:
Primary ciliary dyskinesia. Also called: Ciliary dyskinesia. Identifiers: Orphanet 244, MedGen C0008780, MONDO:0016575, HP:0012265.

Submission:

Labcorp Genetics (formerly Invitae), Labcorp
Classification: Uncertain significance for Primary ciliary dyskinesia. Last evaluated: 2022-07-11. Review status: criteria provided, single submitter. Criteria: Invitae Variant Classification Sherloc (09022015). Collection method: clinical testing. Allele origin: germline.
Comment: This sequence change affects codon 60 of the DNAI1 mRNA. It is a 'silent' change, meaning that it does not change the encoded amino acid sequence of the DNAI1 protein. This variant also falls at the last nucleotide of exon 3, which is part of the consensus splice site for this exon. This variant is not present in population databases (gnomAD no frequency). This variant has not been reported in the literature in individuals affected with DNAI1-related conditions. ClinVar contains an entry for this variant (Variation ID: 1525651). Variants that disrupt the consensus splice site are a relatively common cause of aberrant splicing (PMID: 17576681, 9536098). Algorithms developed to predict the effect of sequence changes on RNA splicing suggest that this variant may create or strengthen a splice site. In summary, the available evidence is currently insufficient to determine the role of this variant in disease. Therefore, it has been classified as a Variant of Uncertain Significance.

Literature cited by the submitters: PubMed 17576681; PubMed 9536098.

NM_012144.4(DNAI1):c.180G>T (p.Ala60=)

Gene: DNAI1 (dynein axonemal intermediate chain 1; plus strand). Cytogenetic location: 9p13.3.
Variant type: single nucleotide variant.
Coding change: c.180G>T on transcript NM_012144.4 (MANE Select); coding-DNA position 180, G replaced by T.
Protein change: p.Ala60=; no amino-acid change (alanine 60 retained).
Molecular consequence: synonymous variant.
Genome position (GRCh38, 1-based): chr9:34,485,240, G>T. VCF-style: chr9-34485240-G-T. GRCh37 (hg19) VCF-style: chr9-34485238-G-T.
Other names: c.180G>T, p.Ala60= (NM_001281428.2).
Identifiers: ClinVar variation 1525651 (VCV001525651.5), dbSNP rs201120508, ClinGen allele CA464394415.